The following is an entry in ClinVar:

ClinVar aggregate classification (germline): Likely benign. Review status: criteria provided, multiple submitters, no conflicts (2 of 4 stars). 3 submissions from 3 submitters: Likely benign (2). 1 of the submissions does not count toward it. Last evaluated 2025-06-01.

Conditions:
RYR3-related disorder. Also called: RYR3-related condition.
Epileptic encephalopathy. Identifiers: MedGen C0543888, HP:0200134.

Allele frequency attached by ClinVar (database versions not stated): TOPMed 0.00014; 1000 Genomes Project 30x 0.00016; 1000 Genomes Project 0.00020; ExAC 0.00005; ESP Exome Variant Server 0.00008; gnomAD exomes 0.00009; gnomAD 0.00013.
gnomAD v4.1: 286 of 1,550,200 alleles (0.018%); highest among the groups gnomAD compares: Middle Eastern, 0.05%; no homozygotes.

Submissions (3):

CeGaT Center for Human Genetics Tuebingen
Classification: Likely benign. Last evaluated: 2025-06-01. Review status: criteria provided, single submitter. Criteria: CeGaT Center For Human Genetics Tuebingen Variant Classification Criteria Version 2. Collection method: clinical testing. Allele origin: germline. Affected: yes. Observed: 1 variant allele.
Comment: RYR3: BP4, BP7

Labcorp Genetics (formerly Invitae), Labcorp
Classification: Likely benign for Epileptic encephalopathy. Last evaluated: 2024-10-15. Review status: criteria provided, single submitter. Criteria: Invitae Variant Classification Sherloc (09022015). Collection method: clinical testing. Allele origin: germline.

PreventionGenetics, part of Exact Sciences
Classification: Likely benign for RYR3-related condition. Last evaluated: 2019-03-01. Review status: no assertion criteria provided. Collection method: clinical testing. Allele origin: germline. Not counted in ClinVar's aggregate classification.
Comment: This variant is classified as likely benign based on ACMG/AMP sequence variant interpretation guidelines (Richards et al. 2015 PMID: 25741868, with internal and published modifications).

NM_001036.6(RYR3):c.4398C>T (p.Asn1466=)

Gene: RYR3 (ryanodine receptor 3; plus strand). Cytogenetic location: 15q14.
Variant type: single nucleotide variant.
Coding change: c.4398C>T on transcript NM_001036.6 (MANE Select); coding-DNA position 4398, C replaced by T.
Protein change: p.Asn1466=; no amino-acid change (asparagine 1466 retained).
Molecular consequence: synonymous variant.
Genome position (GRCh38, 1-based): chr15:33,660,199, C>T. VCF-style: chr15-33660199-C-T. GRCh37 (hg19) VCF-style: chr15-33952400-C-T.
Other names: c.4398C>T (NM_001036.4); c.4398C>T, p.Asn1466= (NM_001243996.4).
Identifiers: ClinVar variation 1112470 (VCV001112470.19), dbSNP rs183464547, ClinGen allele CA7459003.